The following is an entry in ClinVar:

ClinVar aggregate classification (germline): Likely pathogenic (1 of 4 stars; one submission).

Conditions:
Duchenne muscular dystrophy (DMD). Also called: Duchenne Muscular Dystrophy (DMD); MUSCULAR DYSTROPHY, PSEUDOHYPERTROPHIC PROGRESSIVE, DUCHENNE TYPE. Identifiers: Orphanet 98896, MedGen C0013264, MONDO:0010679, OMIM 310200.

Submission:

Broad Center for Mendelian Genomics, Broad Institute of MIT and Harvard
Classification: Likely pathogenic for Duchenne muscular dystrophy. Last evaluated: 2023-08-24. Review status: criteria provided, single submitter. Criteria: ACMG/ClinGen CNV Guidelines, 2019. Collection method: research. Allele origin: unknown. Inheritance: X-linked inheritance. Affected: yes.
Comment: Inheritance information is unavailable. The patient phenotype is nonspecific, but is consistent with cases described in the literature and/or published databases with overlapping variants. This intragenic variant is predicted to cause a frameshift, which alters the protein’s amino acid sequence beginning at exon 46 and leads to a premature termination codon. This alteration is then predicted to lead to a truncated or absent protein. Loss of function of DMD is an established disease mechanism in X-linked Duchenne muscular dystrophy. In summary, although additional studies are required to fully establish its clinical significance, this variant is likely pathogenic for X-linked Duchenne muscular dystrophy. The ACMG/ClinGen evidence codes and points used in this curation are as follows: 1: 0 points, 2: 0.90 points, 3: 0 points, 4-5: 0 points; Total: 0.90 points; Riggs 2020 (PMID: 31690835).

GRCh38/hg38 Xp21.1(chrX:31929309-31932391)x1

Gene: DMD (dystrophin; minus strand). Cytogenetic location: Xp21.1.
Variant type: copy number loss.
Change: copy number 1 of chrX:31,929,309-31,932,391 (3.1 kb, GRCh38 coordinates, 1-based), cytogenetic band Xp21.1.
Identifiers: ClinVar variation 2579259 (VCV002579259.1).